The following is an entry in ClinVar:

ClinVar aggregate classification (germline): Uncertain significance. Review status: criteria provided, multiple submitters, no conflicts (2 of 4 stars). 2 submissions from 2 submitters: Uncertain significance (2). Last evaluated 2025-04-17.

Conditions:
Neurofibromatosis, type 1 (NF1). Also called: NEUROFIBROMATOSIS, TYPE I, SOMATIC; Neurofibromatosis, type I; Peripheral type neurofibromatosis; VON RECKLINGHAUSEN DISEASE. Identifiers: Orphanet 636, MedGen C0027831, MONDO:0018975, OMIM 162200. Disease mechanism: loss of function.
Hereditary cancer-predisposing syndrome. Also called: Hereditary Cancer Syndrome; Hereditary neoplastic syndrome; Neoplastic Syndromes, Hereditary; Tumor predisposition. Identifiers: Orphanet 140162, MedGen C0027672, MeSH D009386, MONDO:0015356.
Cardiovascular phenotype. Identifiers: MedGen CN230736.

Submissions (2):

Labcorp Genetics (formerly Invitae), Labcorp
Classification: Uncertain significance for Neurofibromatosis, type 1. Last evaluated: 2025-04-17. Review status: criteria provided, single submitter. Criteria: Invitae Variant Classification Sherloc (09022015). Collection method: clinical testing. Allele origin: germline.
Comment: This sequence change replaces valine, which is neutral and non-polar, with glycine, which is neutral and non-polar, at codon 1384 of the NF1 protein (p.Val1384Gly). This variant is not present in population databases (gnomAD no frequency). This variant has not been reported in the literature in individuals affected with NF1-related conditions. ClinVar contains an entry for this variant (Variation ID: 3404715). Invitae Evidence Modeling of protein sequence and biophysical properties (such as structural, functional, and spatial information, amino acid conservation, physicochemical variation, residue mobility, and thermodynamic stability) indicates that this missense variant is expected to disrupt NF1 protein function with a positive predictive value of 95%. In summary, the available evidence is currently insufficient to determine the role of this variant in disease. Therefore, it has been classified as a Variant of Uncertain Significance.

Ambry Genetics
Classification: Uncertain significance for Cardiovascular phenotype; Hereditary cancer-predisposing syndrome. Last evaluated: 2024-08-20. Review status: criteria provided, single submitter. Criteria: Ambry Variant Classification Scheme 2023. Collection method: clinical testing. Allele origin: germline.
Comment: The p.V1384G variant (also known as c.4151T>G), located in coding exon 31 of the NF1 gene, results from a T to G substitution at nucleotide position 4151. The valine at codon 1384 is replaced by glycine, an amino acid with dissimilar properties. This amino acid position is conserved. In addition, this alteration is predicted to be deleterious by in silico analysis. Based on the available evidence, the clinical significance of this variant remains unclear.

NM_001042492.3(NF1):c.4214T>G (p.Val1405Gly)

Gene: NF1 (neurofibromin 1; plus strand). Cytogenetic location: 17q11.2.
Variant type: single nucleotide variant.
Coding change: c.4214T>G on transcript NM_001042492.3 (MANE Select); coding-DNA position 4214, T replaced by G.
Protein change: p.Val1405Gly; replaces valine 1405 with glycine.
Molecular consequence: missense variant.
Genome position (GRCh38, 1-based): chr17:31,258,384, T>G. VCF-style: chr17-31258384-T-G. GRCh37 (hg19) VCF-style: chr17-29585402-T-G.
Other names: c.4151T>G, p.Val1384Gly (NM_000267.4); short protein forms V1384G, V1405G.
Identifiers: ClinVar variation 3404715 (VCV003404715.2).